The following is an entry in ClinVar:

ClinVar aggregate classification (germline): Likely pathogenic. Review status: criteria provided, multiple submitters, no conflicts (2 of 4 stars). 3 submissions from 3 submitters: Likely pathogenic (2). 1 of the submissions does not count toward it. Last evaluated 2025-08-21.

Conditions:
Premature ovarian failure 22 (POF22). Identifiers: MedGen C5882707, MONDO:0957822, OMIM 620548.
Spermatogenic failure 88 (SPGF88). Identifiers: MedGen C5882706, MONDO:0957821, OMIM 620547.
Genetic non-acquired premature ovarian failure. Identifiers: Orphanet 485382, MedGen C5925042.

Allele frequency attached by ClinVar (database versions not stated): 1000 Genomes Project 0.00060; ESP Exome Variant Server 0.00065; ExAC 0.00066; gnomAD exomes 0.00069 and 0.00142; TOPMed 0.00084; 1000 Genomes Project 30x 0.00094; gnomAD 0.00099 and 0.00103.
gnomAD v4.1: 2,106 of 1,548,766 alleles (0.14%); highest among the groups gnomAD compares: Non-Finnish European, 0.17%; 1 homozygote.

Submissions (4):

First Genomix Gene Laboratory, Genetic Diagnostics Department
Classification: Likely pathogenic for Premature ovarian failure 22; Spermatogenic failure 88. Last evaluated: 2025-08-21. Review status: criteria provided, single submitter. Criteria: ACMG Guidelines, 2015. Collection method: clinical testing. Allele origin: germline. Inheritance: Autosomal recessive inheritance. Affected: no. Observed: 1 variant allele.

Center for Reproductive Medicine, Shandong Provincial Hospital Affiliated to Shandong University
Classification: Likely pathogenic for Genetic non-acquired premature ovarian failure. Last evaluated: 2021-09-07. Review status: criteria provided, single submitter. Criteria: ACMG Guidelines, 2015. Collection method: research. Allele origin: inherited. Affected: yes. Observed: 2 variant alleles.

OMIM
Classification: Pathogenic for PREMATURE OVARIAN FAILURE 22. Last evaluated: 2023-10-23. Review status: no assertion criteria provided. Collection method: literature only. Allele origin: germline. Not counted in ClinVar's aggregate classification.

Dr. Peter K. Rogan Lab, Western University
No classification provided (evidence only). Condition: Hepatocellular carcinoma. Review status: no classification provided. Collection method: in vitro. Allele origin: not applicable. Functional consequence: retained intron. Not counted in ClinVar's aggregate classification.

Literature cited by the submitters: PubMed 35708642 (cited by OMIM).

NM_144688.5(KASH5):c.747G>A (p.Ala249=)

Gene: KASH5 (KASH domain containing 5; plus strand). Cytogenetic location: 19q13.33.
Variant type: single nucleotide variant.
Coding change: c.747G>A on transcript NM_144688.5 (MANE Select); coding-DNA position 747, G replaced by A.
Protein change: p.Ala249=; no amino-acid change (alanine 249 retained).
Molecular consequence: synonymous variant.
Genome position (GRCh38, 1-based): chr19:49,399,142, G>A. VCF-style: chr19-49399142-G-A. GRCh37 (hg19) VCF-style: chr19-49902399-G-A.
Other names: A249A; NC_000019.9:g.49902399G>A.
Identifiers: ClinVar variation 1232307 (VCV001232307.4), dbSNP rs200723797, ClinGen allele CA9572157.